The following is an entry in ClinVar:

ClinVar aggregate classification (germline): Uncertain significance (1 of 4 stars; one submission).

Submission:

Labcorp Genetics (formerly Invitae), Labcorp
Classification: Uncertain significance. Last evaluated: 2024-06-12. Review status: criteria provided, single submitter. Criteria: Invitae Variant Classification Sherloc (09022015). Collection method: clinical testing. Allele origin: germline.
Comment: This sequence change replaces glutamine, which is neutral and polar, with leucine, which is neutral and non-polar, at codon 1921 of the DCHS1 protein (p.Gln1921Leu). This variant is not present in population databases (gnomAD no frequency). This variant has not been reported in the literature in individuals affected with DCHS1-related conditions. Advanced modeling of protein sequence and biophysical properties (such as structural, functional, and spatial information, amino acid conservation, physicochemical variation, residue mobility, and thermodynamic stability) performed at Invitae indicates that this missense variant is not expected to disrupt DCHS1 protein function with a negative predictive value of 80%. In summary, the available evidence is currently insufficient to determine the role of this variant in disease. Therefore, it has been classified as a Variant of Uncertain Significance.

NM_003737.4(DCHS1):c.5762A>T (p.Gln1921Leu)

Gene: DCHS1 (dachsous cadherin-related 1; minus strand). Cytogenetic location: 11p15.4.
Variant type: single nucleotide variant.
Coding change: c.5762A>T on transcript NM_003737.4 (MANE Select); coding-DNA position 5762, A replaced by T.
Protein change: p.Gln1921Leu; replaces glutamine 1921 with leucine.
Molecular consequence: missense variant.
Genome position (GRCh38, 1-based): chr11:6,627,277, T>A on the plus strand (A>T on the coding strand, the complement: DCHS1 is on the minus strand). VCF-style: chr11-6627277-T-A. GRCh37 (hg19) VCF-style: chr11-6648508-T-A.
Other names: short protein forms Q1921L.
Identifiers: ClinVar variation 3718311 (VCV003718311.2).